The following is an entry in ClinVar:

NM_005159.5(ACTC1):c.108C>G (p.Ile36Met)

Genes: ACTC1 (actin alpha cardiac muscle 1; minus strand), GJD2-DT (GJD2 divergent transcript; plus strand). Cytogenetic location: 15q14.
Variant type: single nucleotide variant.
Coding change: c.108C>G on transcript NM_005159.5 (MANE Select); coding-DNA position 108, C replaced by G.
Protein change: p.Ile36Met; replaces isoleucine 36 with methionine.
Molecular consequence: missense variant.
Genome position (GRCh38, 1-based): chr15:34,794,701, G>C on the plus strand (C>G on the coding strand, the complement: ACTC1 is on the minus strand). VCF-style: chr15-34794701-G-C. GRCh37 (hg19) VCF-style: chr15-35086902-G-C.
Other names: c.108C>G, p.Ile36Met (NM_001406482.1, NM_001406483.1); short protein forms I36M.
Identifiers: ClinVar variation 2935933 (VCV002935933.5), dbSNP rs1457769757, ClinGen allele CA391633083.

ClinVar aggregate classification (germline): Uncertain significance. Review status: criteria provided, multiple submitters, no conflicts (2 of 4 stars). 3 submissions from 3 submitters: Uncertain significance (3). Last evaluated 2024-03-23.

Conditions:
Hypertrophic cardiomyopathy 11. Also called: ACTC1-Related Familial Hypertrophic Cardiomyopathy. Identifiers: MedGen C2677506, MONDO:0012799, OMIM 612098.
Dilated cardiomyopathy 1R (CMD1R). Identifiers: Orphanet 154, Orphanet 54260, MedGen C3150681, MONDO:0013261, OMIM 613424.
Atrial septal defect 5 (ASD5). Identifiers: Orphanet 1478, MedGen C2748552, MONDO:0013011, OMIM 612794.
Hypertrophic cardiomyopathy. Also called: HYPERTROPHIC MYOCARDIOPATHY. Identifiers: Orphanet 217569, MedGen C0007194, MeSH D002312, MONDO:0005045, HP:0001639.
Cardiomyopathy (CMYO). Also called: Cardiomyopathies. Identifiers: Orphanet 167848, MedGen C0878544, MONDO:0004994, HP:0001638. Inheritance: Various modes of inheritance.

Submissions (3):

Labcorp Genetics (formerly Invitae), Labcorp
Classification: Uncertain significance for Dilated cardiomyopathy 1R; Hypertrophic cardiomyopathy 11; Atrial septal defect 5. Last evaluated: 2024-03-23. Review status: criteria provided, single submitter. Criteria: Invitae Variant Classification Sherloc (09022015). Collection method: clinical testing. Allele origin: germline.
Comment: This sequence change replaces isoleucine, which is neutral and non-polar, with methionine, which is neutral and non-polar, at codon 36 of the ACTC1 protein (p.Ile36Met). This variant is not present in population databases (gnomAD no frequency). This variant has not been reported in the literature in individuals affected with ACTC1-related conditions. Advanced modeling of protein sequence and biophysical properties (such as structural, functional, and spatial information, amino acid conservation, physicochemical variation, residue mobility, and thermodynamic stability) performed at Invitae indicates that this missense variant is not expected to disrupt ACTC1 protein function with a negative predictive value of 80%. In summary, the available evidence is currently insufficient to determine the role of this variant in disease. Therefore, it has been classified as a Variant of Uncertain Significance.

All of Us Research Program, National Institutes of Health
Classification: Uncertain significance for Hypertrophic cardiomyopathy. Last evaluated: 2023-12-13. Review status: criteria provided, single submitter. Criteria: ACMG Guidelines, 2015. Collection method: clinical testing. Allele origin: germline. Inheritance: Autosomal dominant inheritance. Observed: 1 variant allele, 1 heterozygote.
Comment: This missense variant replaces isoleucine with methionine at codon 36 of the ACTC1 protein. Computational prediction suggests that this variant may have deleterious impact on protein structure and function (internally defined REVEL score threshold >= 0.7, PMID: 27666373). To our knowledge, functional studies have not been reported for this variant. This variant has not been reported in individuals affected with ACTC1-related disorders in the literature. This variant has not been identified in the general population by the Genome Aggregation Database (gnomAD). The available evidence is insufficient to determine the role of this variant in disease conclusively. Therefore, this variant is classified as a Variant of Uncertain Significance.

This study involves interpretation of variants in research participants for the purpose of population health screening. Participant phenotype was not available at the time of variant classification. Additional details can be found in publication PMID: 35346344, PMCID: PMC8962531

Color Diagnostics, LLC DBA Color Health
Classification: Uncertain significance for Cardiomyopathy. Last evaluated: 2023-11-01. Review status: criteria provided, single submitter. Criteria: ACMG Guidelines, 2015. Collection method: clinical testing. Allele origin: germline.
Comment: This missense variant replaces isoleucine with methionine at codon 36 of the ACTC1 protein. Computational prediction suggests that this variant may have deleterious impact on protein structure and function. To our knowledge, functional studies have not been reported for this variant. This variant has not been reported in individuals affected with ACTC1-related disorders in the literature. This variant has not been identified in the general population by the Genome Aggregation Database (gnomAD). The available evidence is insufficient to determine the role of this variant in disease conclusively. Therefore, this variant is classified as a Variant of Uncertain Significance.